The following continues an entry in ClinVar:

NM_007294.4(BRCA1):c.2155A>G (p.Lys719Glu)

Gene: BRCA1. ClinVar aggregate classification (germline): Benign. Benign (1).

Submissions 10 to 18 of 18:

St. Jude Molecular Pathology, St. Jude Children's Research Hospital
Classification: Likely benign for Hereditary breast ovarian cancer syndrome. Last evaluated: 2021-08-26. Review status: criteria provided, single submitter. Criteria: St. Jude Assertion Criteria 2020. Collection method: clinical testing. Allele origin: germline. Not counted in ClinVar's aggregate classification.
Comment: The BRCA1 c.2155A>G (p.Lys719Glu) missense change has a maximum subpopulation frequency of 0.080% in gnomAD v2.1.1. Seven of seven in silico tools predict a benign effect of this variant on protein function (BP4), however to our knowledge these predictions have not been confirmed by functional assays. This variant has been reported in two individuals with a family history of pancreatic cancer, one of which also had a family history of breast and colon cancer (PMID: 30883245). In addition, this variant has been reported in five women older than 70 years of age who have never had cancer (BS2_supporting). In summary, this variant meets criteria to be classified as likely benign based on the ACMG/AMP criteria: BS2_supporting, BP4.

CHEO Genetics Diagnostic Laboratory, Children's Hospital of Eastern Ontario
Classification: Uncertain significance for Breast and/or ovarian cancer. Last evaluated: 2020-11-04. Review status: criteria provided, single submitter. Criteria: ACMG Guidelines, 2015. Collection method: clinical testing. Allele origin: germline. Not counted in ClinVar's aggregate classification.

Quest Diagnostics Nichols Institute San Juan Capistrano
Classification: Likely benign. Last evaluated: 2020-10-22. Review status: criteria provided, single submitter. Criteria: Quest Diagnostics criteria. Collection method: clinical testing. Allele origin: unknown. Not counted in ClinVar's aggregate classification.

ARUP Laboratories, Molecular Genetics and Genomics, ARUP Laboratories
Classification: Uncertain significance. Last evaluated: 2019-10-13. Review status: criteria provided, single submitter. Criteria: ARUP Molecular Germline Variant Investigation Process. Collection method: clinical testing. Allele origin: germline. Not counted in ClinVar's aggregate classification.
Comment: The BRCA1 c.2155A>G; p.Lys719Glu variant (rs80357147), is reported in the literature in at least one individual affected with breast cancer, though it was not demonstrated to be disease-causing (Pal 2015). This variant is found in the African population with an overall allele frequency of 0.08% (20/24898 alleles) in the Genome Aggregation Database, and it is reported in ClinVar (Variation ID: 37452). The lysine at codon 719 is weakly conserved, and computational analyses (SIFT, PolyPhen-2) predict that this variant is tolerated. However, due to limited information, the clinical significance of the p.Lys719Glu variant is uncertain at this time. References: Pal T et al. A high frequency of BRCA mutations in young black women with breast cancer residing in Florida. Cancer. 2015 Dec 1;121(23):4173-80.

Mendelics
Classification: Uncertain significance for Breast-ovarian cancer, familial, susceptibility to, 1. Last evaluated: 2019-05-28. Review status: criteria provided, single submitter. Criteria: Mendelics Assertion Criteria 2017. Collection method: clinical testing. Allele origin: unknown. Not counted in ClinVar's aggregate classification.

Color Diagnostics, LLC DBA Color Health
Classification: Likely benign for Hereditary cancer-predisposing syndrome. Last evaluated: 2015-04-28. Review status: criteria provided, single submitter. Criteria: ACMG Guidelines, 2015. Collection method: clinical testing. Allele origin: germline. Not counted in ClinVar's aggregate classification.

PreventionGenetics, part of Exact Sciences
Classification: Likely benign for BRCA1-related condition. Last evaluated: 2024-09-21. Review status: no assertion criteria provided. Collection method: clinical testing. Allele origin: germline. Not counted in ClinVar's aggregate classification.
Comment: This variant is classified as likely benign based on ACMG/AMP sequence variant interpretation guidelines (Richards et al. 2015 PMID: 25741868, with internal and published modifications).

Mayo Clinic Laboratories, Mayo Clinic
Classification: Uncertain significance. Last evaluated: 2018-02-26. Review status: no assertion criteria provided. Collection method: clinical testing. Allele origin: unknown. Not counted in ClinVar's aggregate classification.

Breast Cancer Information Core (BIC) (BRCA1)
Classification: Uncertain significance for Breast-ovarian cancer, familial 1. Last evaluated: 2002-05-29. Review status: no assertion criteria provided. Collection method: clinical testing. Allele origin: germline. Affected: yes. Observed: 7 variant alleles. Not counted in ClinVar's aggregate classification.

Literature cited by the submitters: PubMed 16267036 (cited by Women's Health and Genetics/Laboratory Corporation of America, LabCorp and Quest Diagnostics Nichols Institute San Juan Capistrano); PubMed 15385441 (cited by Women's Health and Genetics/Laboratory Corporation of America, LabCorp and Quest Diagnostics Nichols Institute San Juan Capistrano); PubMed 26287763 (cited by Women's Health and Genetics/Laboratory Corporation of America, LabCorp and Sema4); PubMed 30883245 (cited by 3 submitters); PubMed 30603682 (cited by Quest Diagnostics Nichols Institute San Juan Capistrano).